The following is an entry in ClinVar:

NM_001360.3(DHCR7):c.346G>A (p.Asp116Asn)

Gene: DHCR7 (7-dehydrocholesterol reductase; minus strand). Cytogenetic location: 11q13.4.
Variant type: single nucleotide variant.
Coding change: c.346G>A on transcript NM_001360.3 (MANE Select); coding-DNA position 346, G replaced by A.
Protein change: p.Asp116Asn; replaces aspartic acid 116 with asparagine.
Molecular consequence: missense variant.
Genome position (GRCh38, 1-based): chr11:71,442,329, C>T on the plus strand (G>A on the coding strand, the complement: DHCR7 is on the minus strand). VCF-style: chr11-71442329-C-T. GRCh37 (hg19) VCF-style: chr11-71153375-C-T.
Other names: c.346G>A, p.Asp116Asn (NM_001163817.2); short protein forms D116N.
Identifiers: ClinVar variation 3336599 (VCV003336599.1).

ClinVar aggregate classification (germline): Uncertain significance (1 of 4 stars; one submission).

Submission:

Women's Health and Genetics/Laboratory Corporation of America, LabCorp
Classification: Uncertain significance. Last evaluated: 2024-05-14. Review status: criteria provided, single submitter. Criteria: LabCorp Variant Classification Summary - May 2015. Collection method: clinical testing. Allele origin: germline.
Comment: Variant summary: DHCR7 c.346G>A (p.Asp116Asn) results in a conservative amino acid change in the encoded protein sequence. Four of five in-silico tools predict a damaging effect of the variant on protein function. The variant was absent in 250790 control chromosomes. The available data on variant occurrences in the general population are insufficient to allow any conclusion about variant significance. c.346G>A has been reported in the literature in at least one compound heterozygous individual affected with Smith-Lemli-Opitz Syndrome (e.g., Ko_2014). However, these data do not allow any conclusion about variant significance. To our knowledge, no experimental evidence demonstrating an impact on protein function has been reported. The following publication have been ascertained in the context of this evaluation (Ko_2014). No submitters have cited clinical-significance assessments for this variant to ClinVar. Based on the evidence outlined above, the variant was classified as uncertain significance.